The following is an entry in ClinVar:

ClinVar aggregate classification (germline): Conflicting classifications of pathogenicity. Review status: criteria provided, conflicting classifications (1 of 4 stars). 5 submissions from 3 submitters: Uncertain significance (3); Likely benign (1). 1 of the submissions does not count toward it. Last evaluated 2025-12-16.

Conditions:
SYNJ1-related disorder. Also called: SYNJ1-related condition.
Developmental and epileptic encephalopathy, 53. Also called: Epileptic encephalopathy, early infantile, 53. Identifiers: MedGen C4479313, MONDO:0033362, OMIM 617389.
Early-onset Parkinson disease 20. Also called: PARKINSON DISEASE 20, AUTOSOMAL RECESSIVE EARLY-ONSET. Identifiers: Orphanet 391411, MedGen C3809824, MONDO:0014233, OMIM 615530.
Developmental and epileptic encephalopathy, 1 (DEE1). Also called: X-linked infantile spasms; West's syndrome; Tonic spasms with clustering, arrest of psychomotor development and hypsarrhythmia on EEG; X-Linked Infantile Spasm Syndrome; OHTAHARA SYNDROME, X-LINKED; INFANTILE SPASM SYNDROME, X-LINKED 1. Identifiers: MedGen C3463992, MONDO:0010632, OMIM 308350. Disease mechanism: loss of function.

Allele frequency attached by ClinVar (database versions not stated): TOPMed 0.00006; gnomAD 0.00007 and 0.00028; gnomAD exomes 0.00079; ExAC 0.00096; 1000 Genomes Project 30x 0.00125; 1000 Genomes Project 0.00140.
gnomAD v4.1: 696 of 1,614,050 alleles (0.043%); highest among the groups gnomAD compares: South Asian, 0.63%; 14 homozygotes.

Submissions (5):

Labcorp Genetics (formerly Invitae), Labcorp
Classification: Likely benign for Developmental and epileptic encephalopathy, 53; Early-onset Parkinson disease 20. Last evaluated: 2025-12-16. Review status: criteria provided, single submitter. Criteria: Invitae Variant Classification Sherloc (09022015). Collection method: clinical testing. Allele origin: germline.

Genomic Research Center, Shahid Beheshti University of Medical Sciences
Classification: Uncertain significance for Epileptic encephalopathy, early infantile, 1. Last evaluated: 2019-01-01. Review status: criteria provided, single submitter. Criteria: ACMG Guidelines, 2015. Collection method: clinical testing. Allele origin: unknown. Affected: yes. Observed: 1 variant allele.

Genomic Research Center, Shahid Beheshti University of Medical Sciences
Classification: Uncertain significance for Parkinson disease 20, early-onset. Last evaluated: 2019-01-01. Review status: criteria provided, single submitter. Criteria: ACMG Guidelines, 2015. Collection method: clinical testing. Allele origin: unknown. Affected: yes. Observed: 1 variant allele.

Genomic Research Center, Shahid Beheshti University of Medical Sciences
Classification: Uncertain significance for Epileptic encephalopathy, early infantile, 53. Last evaluated: 2019-01-01. Review status: criteria provided, single submitter. Criteria: ACMG Guidelines, 2015. Collection method: clinical testing. Allele origin: unknown. Affected: yes. Observed: 1 variant allele.

PreventionGenetics, part of Exact Sciences
Classification: Likely benign for SYNJ1-related condition. Last evaluated: 2019-06-17. Review status: no assertion criteria provided. Collection method: clinical testing. Allele origin: germline. Not counted in ClinVar's aggregate classification.
Comment: This variant is classified as likely benign based on ACMG/AMP sequence variant interpretation guidelines (Richards et al. 2015 PMID: 25741868, with internal and published modifications).

NM_203446.3(SYNJ1):c.1906G>A (p.Val636Ile)

Gene: SYNJ1 (synaptojanin 1; minus strand). Cytogenetic location: 21q22.11.
Variant type: single nucleotide variant.
Coding change: c.1906G>A on transcript NM_203446.3 (MANE Select); coding-DNA position 1906, G replaced by A.
Protein change: p.Val636Ile; replaces valine 636 with isoleucine.
Molecular consequence: missense variant.
Genome position (GRCh38, 1-based): chr21:32,666,479, C>T on the plus strand (G>A on the coding strand, the complement: SYNJ1 is on the minus strand). VCF-style: chr21-32666479-C-T. GRCh37 (hg19) VCF-style: chr21-34038789-C-T.
Other names: c.1906G>A, p.Val636Ile (NM_001160302.2); c.1891G>A, p.Val631Ile (NM_001160306.2); c.2023G>A, p.Val675Ile (NM_003895.4); short protein forms V675I, V631I, V636I.
Identifiers: ClinVar variation 478331 (VCV000478331.18), dbSNP rs373820739, ClinGen allele CA10003779.